The following is an entry in ClinVar:

NM_000169.3(GLA):c.1080_1117del (p.Gly360_Gly361insTer)

Genes: GLA (galactosidase alpha; minus strand), RPL36A-HNRNPH2 (RPL36A-HNRNPH2 readthrough; plus strand). Cytogenetic location: Xq22.1.
Variant type: Deletion.
Coding change: c.1080_1117del on transcript NM_000169.3 (MANE Select); coding-DNA positions 1080 to 1117, 38 bases deleted.
Protein change: p.Gly360_Gly361insTer.
Molecular consequence: frameshift variant. On other transcripts: non-coding transcript variant (3), intron variant (2).
Genome position (GRCh38, 1-based): chrX:101,397,982-101,398,019, 38 bases deleted; deleting any 38 consecutive bases within chrX:101,397,982-101,398,022 gives the same sequence; the c. name uses the placement nearest the transcript's 3' end. GRCh37 (hg19): chrX:100,652,973-100,653,010.
Other names: c.1203_1240del, p.Gly401_Gly402insTer (NM_001406747.1); c.300+2528_300+2565del (NM_001199973.2); c.177+6163_177+6200del (NM_001199974.2).
Identifiers: ClinVar variation 3652200 (VCV003652200.2).

ClinVar aggregate classification (germline): Pathogenic (1 of 4 stars; one submission).

Conditions:
Fabry disease. Also called: Fabry's disease; ALPHA-GALACTOSIDASE A DEFICIENCY; ANDERSON-FABRY DISEASE; CERAMIDE TRIHEXOSIDASE DEFICIENCY; GLA DEFICIENCY; HEREDITARY DYSTOPIC LIPIDOSIS. Identifiers: Orphanet 324, MedGen C0002986, MONDO:0010526, OMIM 301500, HP:0001071. Disease mechanism: Fabry disease is due to inactivating mutations in the X-linked GLA gene resulting in deficiency of the enzyme Alpha Galactosidase-A., loss of function.

Submission:

Labcorp Genetics (formerly Invitae), Labcorp
Classification: Pathogenic for Fabry disease. Last evaluated: 2024-05-05. Review status: criteria provided, single submitter. Criteria: Invitae Variant Classification Sherloc (09022015). Collection method: clinical testing. Allele origin: germline.
Comment: This sequence change creates a premature translational stop signal (p.Gly361*) in the GLA gene. While this is not anticipated to result in nonsense mediated decay, it is expected to disrupt the last 69 amino acid(s) of the GLA protein. This variant is not present in population databases (gnomAD no frequency). This variant has not been reported in the literature in individuals affected with GLA-related conditions. This variant disrupts a region of the GLA protein in which other variant(s) (p.Thr412Ile) have been determined to be pathogenic (Invitae). This suggests that this is a clinically significant region of the protein, and that variants that disrupt it are likely to be disease-causing. For these reasons, this variant has been classified as Pathogenic.